The following is an entry in ClinVar:

ClinVar aggregate classification (germline): Uncertain significance. Review status: criteria provided, single submitter (1 of 4 stars). 2 submissions from 2 submitters: Uncertain significance (1). 1 of the submissions does not count toward it. Last evaluated 2023-07-03.

Conditions:
Usher syndrome type 1F (USH1F). Also called: USHER SYNDROME, TYPE IF. Identifiers: Orphanet 231169, Orphanet 886, MedGen C1865885, MONDO:0011186, OMIM 602083.

Submissions (2):

GeneDx
Classification: Uncertain significance. Last evaluated: 2023-07-03. Review status: criteria provided, single submitter. Criteria: GeneDx Variant Classification Process June 2021. Collection method: clinical testing. Allele origin: germline. Affected: yes.
Comment: Not observed at significant frequency in large population cohorts (gnomAD); In silico analysis supports that this missense variant does not alter protein structure/function; Has not been previously published as pathogenic or benign to our knowledge

Natera, Inc.
Classification: Uncertain significance for Usher syndrome type 1F. Last evaluated: 2025-03-29. Review status: no assertion criteria provided. Collection method: clinical testing. Allele origin: germline. Not counted in ClinVar's aggregate classification.

NM_033056.4(PCDH15):c.4792C>A (p.Gln1598Lys)

Gene: PCDH15 (protocadherin related 15; minus strand). Cytogenetic location: 10q21.1.
Variant type: single nucleotide variant.
Coding change: c.4792C>A on transcript NM_033056.4 (MANE Plus Clinical); coding-DNA position 4792, C replaced by A.
Protein change: p.Gln1598Lys; replaces glutamine 1598 with lysine.
Molecular consequence: missense variant. On other transcripts: intron variant (8).
Genome position (GRCh38, 1-based): chr10:53,822,934, G>T on the plus strand (C>A on the coding strand, the complement: PCDH15 is on the minus strand). VCF-style: chr10-53822934-G-T. GRCh37 (hg19) VCF-style: chr10-55582694-G-T.
Other names: c.4813C>A, p.Gln1605Lys (NM_001142763.2); c.4798C>A, p.Gln1600Lys (NM_001142764.2); c.4585C>A, p.Gln1529Lys (NM_001142765.2); c.4783C>A, p.Gln1595Lys (NM_001142766.2); c.4672C>A, p.Gln1558Lys (NM_001142767.2); c.4732C>A, p.Gln1578Lys (NM_001142768.2); c.4723C>A, p.Gln1575Lys (NM_001142773.2); c.4726C>A, p.Gln1576Lys (NM_001354404.2); and 6 more; short protein forms Q1529K, Q1558K, Q1575K, Q1576K, Q1578K, Q1595K, Q1598K, Q1600K.
Identifiers: ClinVar variation 3338743 (VCV003338743.2).